The following is an entry in ClinVar:

NM_003072.5(SMARCA4):c.811G>T (p.Gly271Trp)

Gene: SMARCA4 (SWI/SNF related BAF chromatin remodeling complex subunit ATPase 4; plus strand). Cytogenetic location: 19p13.2.
Variant type: single nucleotide variant.
Coding change: c.811G>T on transcript NM_003072.5 (MANE Select); coding-DNA position 811, G replaced by T.
Protein change: p.Gly271Trp; replaces glycine 271 with tryptophan.
Molecular consequence: missense variant. On other transcripts: non-coding transcript variant (1).
Genome position (GRCh38, 1-based): chr19:10,986,955, G>T. VCF-style: chr19-10986955-G-T. GRCh37 (hg19) VCF-style: chr19-11097631-G-T.
Other names: c.811G>T, p.Gly271Trp (NM_001128844.3, NM_001128845.2, NM_001128846.2 and 6 more transcripts); short protein forms G271W.
Identifiers: ClinVar variation 4802542 (VCV004802542.1).
Genomic context (GRCh38, chr19:10,986,955, plus strand): 5'-CTACATGTAGGTATGGGAGGGCCCAACATGCCTCCCCCAGGACCCTCGGGCGTGCCCCCC[G>T]GGATGCCAGGCCAGCCTCCTGGAGGGCCTCCCAAGCCCTGGCCTGAAGGTGAGCTCCCTC-3'
Protein context (NP_003063.2, residues 261-281): PPPGPSGVPP[Gly271Trp]MPGQPPGGPP

ClinVar aggregate classification (germline): Uncertain significance (1 of 4 stars; one submission).

Conditions:
Rhabdoid tumor predisposition syndrome 2 (RTPS2). Identifiers: Orphanet 231108, Orphanet 69077, MedGen C2750074, MONDO:0013224, OMIM 613325.

gnomAD v4.1: 1 of 1,610,444 alleles (0.000062%); no homozygotes.

Submission:

Labcorp Genetics (formerly Invitae), Labcorp
Classification: Uncertain significance for Rhabdoid tumor predisposition syndrome 2. Last evaluated: 2025-04-11. Review status: criteria provided, single submitter. Criteria: Invitae Variant Classification Sherloc (09022015). Collection method: clinical testing. Allele origin: germline.
Comment: This sequence change replaces glycine, which is neutral and non-polar, with tryptophan, which is neutral and slightly polar, at codon 271 of the SMARCA4 protein (p.Gly271Trp). This variant is not present in population databases (gnomAD no frequency). This variant has not been reported in the literature in individuals affected with SMARCA4-related conditions. An algorithm developed to predict the effect of missense changes on protein structure and function (PolyPhen-2) suggests that this variant is likely to be disruptive. In summary, the available evidence is currently insufficient to determine the role of this variant in disease. Therefore, it has been classified as a Variant of Uncertain Significance.